The following is an entry in ClinVar:

ClinVar aggregate classification (germline): Pathogenic (1 of 4 stars; one submission).

Submission:

GeneDx
Classification: Pathogenic. Last evaluated: 2014-07-23. Review status: criteria provided, single submitter. Criteria: GeneDx Variant Classification (06012015). Collection method: clinical testing. Allele origin: germline. Affected: yes.
Comment: p.Thr1721Lys (ACA>AAA): c.5162 C>A in exon 26 of the SCN1A gene (NM_001165963.1) The T1721K missense change has not been published as a mutation, nor has it been reported as a benign polymorphism to our knowledge. It was not observed in approximately 6,500 individuals of European and African American ancestry in the NHLBI Exome Sequencing Project, indicating it is not a common benign variant in these populations. It is a semi-conservative amino acid substitution, which may impact secondary protein structure as these residues differ in some properties. This substitution alters a highly conserved position in the extracellular loop between the S5 and S6 transmembrane segments of the fourth homologous domain of the SCN1A protein (Escayg et al., 2010). A different missense substitution as the same position (T1721R) was previously reported as a de novo mutation in a patient with severe myoclonic epilepsy of infancy (Harkin et al., 2007), and multiple other missense mutations in this region of the protein have been reported in association with SCN1A-related disorders in an external mutation database, supporting the functional importance of this region of the protein. In silico analysis predicts this variant is probably damaging to the protein structure/function. Therefore, T1721K is considered to be a disease-causing mutation. The variant is found in CHILD-EPI panel(s).

NM_001165963.4(SCN1A):c.5162C>A (p.Thr1721Lys)

Genes: SCN1A (sodium voltage-gated channel alpha subunit 1; minus strand), LOC102724058 (uncharacterized LOC102724058; plus strand). Cytogenetic location: 2q24.3.
Variant type: single nucleotide variant.
Coding change: c.5162C>A on transcript NM_001165963.4 (MANE Select); coding-DNA position 5162, C replaced by A.
Protein change: p.Thr1721Lys; replaces threonine 1721 with lysine.
Molecular consequence: missense variant. On other transcripts: non-coding transcript variant (1).
Genome position (GRCh38, 1-based): chr2:165,992,113, G>T on the plus strand (C>A on the coding strand, the complement: SCN1A is on the minus strand). VCF-style: chr2-165992113-G-T. GRCh37 (hg19) VCF-style: chr2-166848623-G-T.
Other names: p.T1721K:ACA>AAA; c.5078C>A, p.Thr1693Lys (NM_001165964.3, NM_001353957.2, NM_001353958.2); c.5162C>A, p.Thr1721Lys (NM_001202435.3, NM_001353948.2); c.5129C>A, p.Thr1710Lys (NM_001353949.2, NM_001353950.2, NM_001353951.2 and 2 more transcripts); c.5126C>A, p.Thr1709Lys (NM_001353954.2, NM_001353955.2); c.5075C>A, p.Thr1692Lys (NM_001353960.2); c.2720C>A, p.Thr907Lys (NM_001353961.2); short protein forms T1710K, T1721K, T907K, T1692K, T1709K, T1693K.
Identifiers: ClinVar variation 206859 (VCV000206859.2), dbSNP rs121917978, ClinGen allele CA317581.